The following is an entry in ClinVar:

NM_018975.4(TERF2IP):c.432C>G (p.Ile144Met)

Gene: TERF2IP (TERF2 interacting protein; plus strand). Cytogenetic location: 16q23.1.
Variant type: single nucleotide variant.
Coding change: c.432C>G on transcript NM_018975.4 (MANE Select); coding-DNA position 432, C replaced by G.
Protein change: p.Ile144Met; replaces isoleucine 144 with methionine.
Molecular consequence: missense variant. On other transcripts: non-coding transcript variant (1).
Genome position (GRCh38, 1-based): chr16:75,648,314, C>G. VCF-style: chr16-75648314-C-G. GRCh37 (hg19) VCF-style: chr16-75682212-C-G.
Other names: short protein forms I144M.
Identifiers: ClinVar variation 3227178 (VCV003227178.1), dbSNP rs1426731096, ClinGen allele CA396817892.

ClinVar aggregate classification (germline): Uncertain significance (1 of 4 stars; one submission).

gnomAD v4.1: 1 of 1,563,018 alleles (0.000064%); highest among the groups gnomAD compares: Non-Finnish European, 0.000087%; no homozygotes.

Submission:

Ambry Genetics
Classification: Uncertain significance. Last evaluated: 2024-02-22. Review status: criteria provided, single submitter. Criteria: Ambry Variant Classification Scheme 2023. Collection method: clinical testing. Allele origin: germline.
Comment: The p.I144M variant (also known as c.432C>G), located in coding exon 1 of the TERF2IP gene, results from a C to G substitution at nucleotide position 432. The isoleucine at codon 144 is replaced by methionine, an amino acid with highly similar properties. This amino acid position is conserved. In addition, this alteration is predicted to be tolerated by in silico analysis. Based on the available evidence, the clinical significance of this alteration remains unclear.